The following is an entry in ClinVar:

NM_000179.3(MSH6):c.3439-7T>G

Gene: MSH6 (mutS homolog 6; plus strand). Cytogenetic location: 2p16.3.
Variant type: single nucleotide variant.
Coding change: c.3439-7T>G on transcript NM_000179.3 (MANE Select); 7 bases into the intron before coding-DNA position 3439, T replaced by G.
Molecular consequence: intron variant.
Genome position (GRCh38, 1-based): chr2:47,804,903, T>G. VCF-style: chr2-47804903-T-G. GRCh37 (hg19) VCF-style: chr2-48032042-T-G.
Other names: c.2533-7T>G (NM_001281493.2, NM_001281494.2); c.3049-7T>G (NM_001281492.2).
Identifiers: ClinVar variation 216306 (VCV000216306.11), dbSNP rs863224622, ClinGen allele CA338658.

ClinVar aggregate classification (germline): Conflicting classifications of pathogenicity. Review status: criteria provided, conflicting classifications (1 of 4 stars). 5 submissions from 5 submitters: Likely pathogenic (1); Uncertain significance (4). Last evaluated 2025-10-06.

Conditions:
Hereditary nonpolyposis colorectal neoplasms. Identifiers: MedGen C0009405, MeSH D003123.
Hereditary cancer-predisposing syndrome. Also called: Hereditary Cancer Syndrome; Hereditary neoplastic syndrome; Neoplastic Syndromes, Hereditary; Tumor predisposition. Identifiers: Orphanet 140162, MedGen C0027672, MeSH D009386, MONDO:0015356.

Submissions (5):

Color Diagnostics, LLC DBA Color Health
Classification: Uncertain significance for Hereditary cancer-predisposing syndrome. Last evaluated: 2025-10-06. Review status: criteria provided, single submitter. Criteria: ACMG Guidelines, 2015. Collection method: clinical testing. Allele origin: germline.
Comment: This variant causes a T to G nucleotide substitution at the -7 position of intron 5 of the MSH6 gene. Splice site prediction tools predict that this variant may have a significant impact on RNA splicing. In a massively parallel splicing reporter assay, this variant was reported to exhibit altered MSH6 RNA splicing (PMID: 36303034). This variant has not been reported in individuals affected with MSH6-related disorders in the literature. This variant has not been identified in the general population by the Genome Aggregation Database (gnomAD). The available evidence is insufficient to determine the role of this variant in disease conclusively. Therefore, this variant is classified as a Variant of Uncertain Significance.

Ambry Genetics
Classification: Likely pathogenic for Hereditary cancer-predisposing syndrome. Last evaluated: 2025-08-15. Review status: criteria provided, single submitter. Criteria: Ambry Variant Classification Scheme 2023. Collection method: clinical testing. Allele origin: germline.
Comment: The c.3439-7T>G intronic variant results from a T to G substitution 7 nucleotides upstream from coding exon 6 in the MSH6 gene. This nucleotide position is well conserved in available vertebrate species. This variant has been identified in proband(s) whose Lynch syndrome-associated tumor demonstrated high microsatellite instability and/or loss of MSH6 expression by immunohistochemistry (Li S et al. J. Med. Genet. 2020 Jan;57:62-69; Ambry internal data). In silico splice site analysis predicts that this alteration will weaken the native splice acceptor site and will result in the creation or strengthening of a novel splice acceptor site. RNA studies have demonstrated that this alteration results in abnormal splicing in the set of samples tested (Ambry internal data). A resulting transcript is predicted to be in-frame and is not expected to trigger nonsense-mediated mRNAdecay; however, the region predicted to be impacted is critical for protein function (Ambry internal data). Based on the majority of available evidence to date, this variant is likely to be pathogenic.

Labcorp Genetics (formerly Invitae), Labcorp
Classification: Uncertain significance for Hereditary nonpolyposis colorectal neoplasms. Last evaluated: 2025-08-15. Review status: criteria provided, single submitter. Criteria: Invitae Variant Classification Sherloc (09022015). Collection method: clinical testing. Allele origin: germline.
Comment: This sequence change falls in intron 5 of the MSH6 gene. It does not directly change the encoded amino acid sequence of the MSH6 protein. RNA analysis indicates that this variant induces altered splicing and likely results in the gain of 2 amino acid residue(s), but is expected to preserve the integrity of the reading-frame. This variant is not present in population databases (gnomAD no frequency). This variant has been observed in individual(s) with endometrial cancer (internal data). ClinVar contains an entry for this variant (Variation ID: 216306). Studies have shown that this variant results in the activation of a cryptic splice site in intron 5 (internal data). In summary, the available evidence is currently insufficient to determine the role of this variant in disease. Therefore, it has been classified as a Variant of Uncertain Significance.

Quest Diagnostics Nichols Institute San Juan Capistrano
Classification: Uncertain significance. Last evaluated: 2024-09-25. Review status: criteria provided, single submitter. Criteria: Quest Diagnostics criteria. Collection method: clinical testing. Allele origin: unknown.
Comment: The MSH6 c.3439-7T>G variant has not been reported in individuals with MSH6-related conditions in the published literature. However, in a massively parallel splicing reporter assay, this variant resulted in an altered MSH6 mRNA splicing (PMID: 36303034 (2022)). It also has not been reported in large, multi-ethnic general populations (Genome Aggregation Database). Analysis of this variant using software algorithms for the prediction of the effect of nucleotide changes on splicing yielded predictions that this variant may affect proper MSH6 mRNA splicing. Based on the available information, we are unable to determine the clinical significance of this variant.

Women's Health and Genetics/Laboratory Corporation of America, LabCorp
Classification: Uncertain significance. Last evaluated: 2024-07-19. Review status: criteria provided, single submitter. Criteria: LabCorp Variant Classification Summary - May 2015. Collection method: clinical testing. Allele origin: germline.

Literature cited by the submitters: PubMed 36303034 (cited by Color Diagnostics, LLC DBA Color Health and Quest Diagnostics Nichols Institute San Juan Capistrano).